The following is an entry in ClinVar:

NM_005251.3(FOXC2):c.939C>G (p.Tyr313Ter)

Gene: FOXC2 (forkhead box C2; plus strand). Cytogenetic location: 16q24.1.
Variant type: single nucleotide variant.
Coding change: c.939C>G on transcript NM_005251.3 (MANE Select); coding-DNA position 939, C replaced by G.
Protein change: p.Tyr313Ter; replaces tyrosine 313 with a stop codon.
Molecular consequence: nonsense.
Genome position (GRCh38, 1-based): chr16:86,568,274, C>G. VCF-style: chr16-86568274-C-G. GRCh37 (hg19) VCF-style: chr16-86601880-C-G.
Other names: short protein forms Y313*.
Identifiers: ClinVar variation 692067 (VCV000692067.1), dbSNP rs1597402936, ClinGen allele CA397009109.
Genomic context (GRCh38, chr16:86,568,274, plus strand): 5'-CGCGGGCCTGGTGGTGCCGCCGCTGGCGCTGCCCTACGCCGCCGCGCCGCCCGCCGCCTA[C>G]GGCCAGCCGTGCGCTCAGGGCCTGGAGGCCGGGGCCGCCGGGGGCTACCAGTGCAGCATG-3'

ClinVar aggregate classification (germline): Likely pathogenic (1 of 4 stars; one submission).

Conditions:
Distichiasis-lymphedema syndrome. Also called: LYMPHEDEMA WITH DISTICHIASIS. Identifiers: Orphanet 33001, MedGen C0265345, MONDO:0007922, OMIM 153400.

Submission:

Rady Children's Institute for Genomic Medicine, Rady Children's Hospital San Diego
Classification: Likely pathogenic for LYMPHEDEMA-DISTICHIASIS SYNDROME. Last evaluated: 2018-12-21. Review status: criteria provided, single submitter. Criteria: ACMG Guidelines, 2015. Collection method: clinical testing. Allele origin: germline. Affected: yes. Observed: 1 variant allele.
Comment: This nonsense variant found in exon 1 of 1 is predicted to result in loss of normal protein function. A variant at the same position also resulting in a nonsense change has been previously reported as a heterozygous change in multiple patients in two separate families with distichiasis, lymphedema, hydrops fetalis, and pulmonary lymphangiectasia (PMID: 12383817, 21918810). It is absent from the ExAC and gnomAD population databases and thus is presumed to be rare. Based on the available evidence, the c.939C>G p.Tyr313Ter variant is classified as likely pathogenic.